The following is an entry in ClinVar:

NM_000038.6(APC):c.3225T>C (p.Tyr1075=)

Gene: APC (APC regulator of Wnt signaling pathway; plus strand). Cytogenetic location: 5q22.2.
Variant type: single nucleotide variant.
Coding change: c.3225T>C on transcript NM_000038.6 (MANE Select); coding-DNA position 3225, T replaced by C.
Protein change: p.Tyr1075=; no amino-acid change (tyrosine 1075 retained).
Molecular consequence: synonymous variant.
Genome position (GRCh38, 1-based): chr5:112,838,819, T>C. VCF-style: chr5-112838819-T-C. GRCh37 (hg19) VCF-style: chr5-112174516-T-C.
Other names: c.3225T>C, p.Tyr1075= (NM_001127510.3, NM_001354895.2); c.3171T>C, p.Tyr1057= (NM_001127511.3); c.3279T>C, p.Tyr1093= (NM_001354896.2); c.3255T>C, p.Tyr1085= (NM_001354897.2); c.3150T>C, p.Tyr1050= (NM_001354898.2); c.3141T>C, p.Tyr1047= (NM_001354899.2); c.3102T>C, p.Tyr1034= (NM_001354900.2); c.3048T>C, p.Tyr1016= (NM_001354901.2); and 5 more.
Identifiers: ClinVar variation 416771 (VCV000416771.24), dbSNP rs768123840, ClinGen allele CA034699.

ClinVar aggregate classification (germline): Benign/Likely benign. Review status: criteria provided, multiple submitters, no conflicts (2 of 4 stars). 7 submissions from 7 submitters: Benign (1); Likely benign (6). Last evaluated 2026-01-01.

Conditions:
Classic or attenuated familial adenomatous polyposis. Identifiers: MedGen CN372698, MONDO:0021057.
Hereditary cancer-predisposing syndrome. Also called: Tumor predisposition; Hereditary neoplastic syndrome; Hereditary Cancer Syndrome; Neoplastic Syndromes, Hereditary. Identifiers: Orphanet 140162, MedGen C0027672, MeSH D009386, MONDO:0015356.
Familial adenomatous polyposis 1 (FAP1). Also called: FAMILIAL ADENOMATOUS POLYPOSIS 1, ATTENUATED; POLYPOSIS, ADENOMATOUS INTESTINAL. Identifiers: MedGen C2713442, MONDO:0021056, OMIM 175100. Disease mechanism: loss of function.

Allele frequency attached by ClinVar (database versions not stated): TOPMed below 0.00001; gnomAD 0.00001; ExAC 0.00002; gnomAD exomes 0.00002; 1000 Genomes Project 30x 0.00031.
gnomAD v4.1: 34 of 1,614,144 alleles (0.0021%); highest among the groups gnomAD compares: South Asian, 0.016%; 1 homozygote.

Submissions (7):

CeGaT Center for Human Genetics Tuebingen
Classification: Likely benign. Last evaluated: 2026-01-01. Review status: criteria provided, single submitter. Criteria: CeGaT Center For Human Genetics Tuebingen Variant Classification Criteria Version 2. Collection method: clinical testing. Allele origin: germline. Affected: yes. Observed: 1 variant allele.
Comment: APC: BP4, BP7

Labcorp Genetics (formerly Invitae), Labcorp
Classification: Likely benign for Familial adenomatous polyposis 1. Last evaluated: 2025-10-15. Review status: criteria provided, single submitter. Criteria: Invitae Variant Classification Sherloc (09022015). Collection method: clinical testing. Allele origin: germline.

Myriad Genetics, Inc.
Classification: Benign for Familial adenomatous polyposis 1. Last evaluated: 2024-03-18. Review status: criteria provided, single submitter. Criteria: Myriad Autosomal Dominant, Autosomal Recessive and X-Linked Classification Criteria (2023). Collection method: clinical testing. Allele origin: unknown.
Comment: This variant is considered benign. This variant is a silent/synonymous amino acid change and it is not expected to impact splicing.

All of Us Research Program, National Institutes of Health
Classification: Likely benign for Classic or attenuated familial adenomatous polyposis. Last evaluated: 2023-12-13. Review status: criteria provided, single submitter. Criteria: ACMG Guidelines, 2015. Collection method: clinical testing. Allele origin: germline. Inheritance: Autosomal dominant inheritance. Observed: 3 variant alleles, 3 heterozygotes.
Comment: This study involves interpretation of variants in research participants for the purpose of population health screening. Participant phenotype was not available at the time of variant classification. Additional details can be found in publication PMID: 35346344, PMCID: PMC8962531

Mendelics
Classification: Likely benign for Familial adenomatous polyposis 1. Last evaluated: 2019-05-28. Review status: criteria provided, single submitter. Criteria: Mendelics Assertion Criteria 2017. Collection method: clinical testing. Allele origin: unknown.

Color Diagnostics, LLC DBA Color Health
Classification: Likely benign for Hereditary cancer-predisposing syndrome. Last evaluated: 2017-04-03. Review status: criteria provided, single submitter. Criteria: ACMG Guidelines, 2015. Collection method: clinical testing. Allele origin: germline.

Ambry Genetics
Classification: Likely benign for Hereditary cancer-predisposing syndrome. Last evaluated: 2015-06-12. Review status: criteria provided, single submitter. Criteria: Ambry Variant Classification Scheme 2023. Collection method: clinical testing. Allele origin: germline.